The following is an entry in ClinVar:

NM_000038.6(APC):c.7717A>G (p.Ile2573Val)

Gene: APC (APC regulator of Wnt signaling pathway; plus strand). Cytogenetic location: 5q22.2.
Variant type: single nucleotide variant.
Coding change: c.7717A>G on transcript NM_000038.6 (MANE Select); coding-DNA position 7717, A replaced by G.
Protein change: p.Ile2573Val; replaces isoleucine 2573 with valine.
Molecular consequence: missense variant.
Genome position (GRCh38, 1-based): chr5:112,843,311, A>G. VCF-style: chr5-112843311-A-G. GRCh37 (hg19) VCF-style: chr5-112179008-A-G.
Other names: c.7717A>G, p.Ile2573Val (NM_001127510.3, NM_001354895.2); c.7663A>G, p.Ile2555Val (NM_001127511.3); c.7771A>G, p.Ile2591Val (NM_001354896.2); c.7747A>G, p.Ile2583Val (NM_001354897.2); c.7642A>G, p.Ile2548Val (NM_001354898.2); c.7633A>G, p.Ile2545Val (NM_001354899.2); c.7594A>G, p.Ile2532Val (NM_001354900.2); c.7540A>G, p.Ile2514Val (NM_001354901.2); and 5 more; short protein forms I2573V, I2555V, I2290V, I2545V, I2413V, I2482V, I2532V, I2548V.
Identifiers: ClinVar variation 41536 (VCV000041536.43), dbSNP rs145444830, ClinGen allele CA013990.

ClinVar aggregate classification (germline): Conflicting classifications of pathogenicity. Review status: criteria provided, conflicting classifications (1 of 4 stars). 17 submissions from 17 submitters: Uncertain significance (5); Likely benign (9). 3 of the submissions do not count toward it. Last evaluated 2026-01-25.

Conditions:
APC-related disorder. Also called: APC-related condition.
Colorectal adenoma. Identifiers: MedGen C1302401, MONDO:0005484.
Hereditary cancer-predisposing syndrome. Also called: Hereditary neoplastic syndrome; Tumor predisposition; Hereditary Cancer Syndrome; Neoplastic Syndromes, Hereditary. Identifiers: Orphanet 140162, MedGen C0027672, MeSH D009386, MONDO:0015356.
Familial adenomatous polyposis 1 (FAP1). Also called: FAMILIAL ADENOMATOUS POLYPOSIS 1, ATTENUATED; POLYPOSIS, ADENOMATOUS INTESTINAL. Identifiers: MedGen C2713442, MONDO:0021056, OMIM 175100. Disease mechanism: loss of function.
Desmoid disease, hereditary (DESMD). Also called: FIBROMATOSIS, FAMILIAL INFILTRATIVE. Identifiers: Orphanet 873, MedGen C1851124, OMIM 135290. Disease mechanism: loss of function.

Allele frequency attached by ClinVar (database versions not stated): gnomAD exomes 0.00006 and 0.00009; gnomAD 0.00007; TOPMed 0.00008; ExAC 0.00015; ESP Exome Variant Server 0.00031.
gnomAD v4.1: 102 of 1,613,566 alleles (0.0063%); highest among the groups gnomAD compares: Non-Finnish European, 0.0083%; no homozygotes.

Submissions (17):

Labcorp Genetics (formerly Invitae), Labcorp
Classification: Likely benign for Familial adenomatous polyposis 1. Last evaluated: 2026-01-25. Review status: criteria provided, single submitter. Criteria: Invitae Variant Classification Sherloc (09022015). Collection method: clinical testing. Allele origin: germline.

PreventionGenetics, part of Exact Sciences
Classification: Likely benign for APC-related condition. Last evaluated: 2026-01-12. Review status: criteria provided, single submitter. Criteria: ACMG Guidelines, 2015. Collection method: clinical testing. Allele origin: germline.
Comment: This variant is classified as likely benign based on ACMG/AMP sequence variant interpretation guidelines (Richards et al. 2015 PMID: 25741868, with internal and published modifications).

Women's Health and Genetics/Laboratory Corporation of America, LabCorp
Classification: Likely benign. Last evaluated: 2025-06-16. Review status: criteria provided, single submitter. Criteria: LabCorp Variant Classification Summary - May 2015. Collection method: clinical testing. Allele origin: germline.
Comment: Variant summary: APC c.7717A>G (p.Ile2573Val) results in a conservative amino acid change in the encoded protein sequence. Algorithms developed to predict the effect of missense changes on protein structure and function are either unavailable or do not agree on the potential impact of this missense change. The variant allele was found at a frequency of 8.8e-05 in 250818 control chromosomes, predominantly at a frequency of 0.00018 within the Non-Finnish European subpopulation in the gnomAD database. The observed variant frequency within Non-Finnish European control individuals in the gnomAD database is approximately 2.5 fold of the estimated maximal expected allele frequency for a pathogenic variant in APC causing Familial Adenomatous Polyposis phenotype (7.1e-05). cc.7717A>G has been reported in an individual affected with Colorectal Adenomas (Azzopard_2008) without evidence for causality. This report does not provide unequivocal conclusions about association of the variant with Familial Adenomatous Polyposis. To our knowledge, no experimental evidence demonstrating an impact on protein function has been reported. The following publication have been ascertained in the context of this evaluation (PMID: 18199528). ClinVar contains an entry for this variant (Variation ID: 41536). Based on the evidence outlined above, the variant was classified as likely benign.

Center for Genomic Medicine, Rigshospitalet, Copenhagen University Hospital
Classification: Likely benign. Last evaluated: 2025-03-04. Review status: criteria provided, single submitter. Criteria: ACMG Guidelines, 2015. Collection method: clinical testing. Allele origin: germline.

Myriad Genetics, Inc.
Classification: Likely benign for Familial adenomatous polyposis 1. Last evaluated: 2025-02-04. Review status: criteria provided, single submitter. Criteria: Myriad Autosomal Dominant, Autosomal Recessive and X-Linked Classification Criteria (2023). Collection method: clinical testing. Allele origin: unknown.
Comment: This variant is considered likely benign. This variant has been observed at a population frequency that is significantly greater than expected given the associated disease prevalence and penetrance.

Color Diagnostics, LLC DBA Color Health
Classification: Likely benign for Hereditary cancer-predisposing syndrome. Last evaluated: 2024-09-19. Review status: criteria provided, single submitter. Criteria: ACMG Guidelines, 2015. Collection method: clinical testing. Allele origin: germline.

ARUP Laboratories, Molecular Genetics and Genomics, ARUP Laboratories
Classification: Likely benign. Last evaluated: 2024-04-10. Review status: criteria provided, single submitter. Criteria: ARUP Molecular Germline Variant Investigation Process 2024. Collection method: clinical testing. Allele origin: germline.

Department of Pathology and Laboratory Medicine, Sinai Health System
Classification: Uncertain significance for Familial adenomatous polyposis 1; Desmoid disease, hereditary. Last evaluated: 2023-02-01. Review status: criteria provided, single submitter. Criteria: ACMG Guidelines, 2015. Collection method: clinical testing. Allele origin: germline. Affected: yes.

Sema4
Classification: Uncertain significance for Hereditary cancer-predisposing syndrome. Last evaluated: 2022-03-13. Review status: criteria provided, single submitter. Criteria: Sema4 Curation Guidelines. Collection method: curation. Allele origin: germline.
Comment: The APC c.7717A>G (p.I2573V) variant has been reported in heterozygosity in at least one individual with multiple adenomatous colon polyps (PMID: 18199528). It has also been reported in an individual with prostate cancer and in an individual referred for hereditary cancer genetic testing, (PMID: 28259476, 31159747). It was observed in 20/113230 chromosomes of the Non-Finnish European subpopulation, with no homozygotes, in the large and broad cohorts of the Genome Aggregation Database (PMID: 32461654). The variant has been reported in ClinVar (Variation ID: 41536). Functional studies have not been performed, and in silico predictions of the variant's effect on protein function are inconclusive. The evidence is insufficient to meet ACMG/AMP criteria for classifying the variant as benign or pathogenic. Thus, the clinical significance of this variant is currently uncertain

GeneDx
Classification: Likely benign. Last evaluated: 2021-01-21. Review status: criteria provided, single submitter. Criteria: GeneDx Variant Classification Process June 2021. Collection method: clinical testing. Allele origin: germline. Affected: yes.
Comment: In silico analysis, which includes protein predictors and evolutionary conservation, supports that this variant does not alter protein structure/function; This variant is associated with the following publications: (PMID: 27600092, 22703879, 21859464, 25637381, 22975805, 18199528, 31159747)

Quest Diagnostics Nichols Institute San Juan Capistrano
Classification: Uncertain significance. Last evaluated: 2019-11-08. Review status: criteria provided, single submitter. Criteria: Quest Diagnostics criteria. Collection method: clinical testing. Allele origin: unknown.

Ambry Genetics
Classification: Likely benign for Hereditary cancer-predisposing syndrome. Last evaluated: 2018-09-20. Review status: criteria provided, single submitter. Criteria: Ambry Variant Classification Scheme 2023. Collection method: clinical testing. Allele origin: germline.

GeneKor MSA
Classification: Uncertain significance for Hereditary cancer-predisposing syndrome. Last evaluated: 2018-08-01. Review status: criteria provided, single submitter. Criteria: ACMG Guidelines, 2015. Collection method: clinical testing. Allele origin: germline. Affected: yes.

Laboratory for Molecular Medicine, Mass General Brigham Personalized Medicine
Classification: Uncertain significance. Last evaluated: 2017-01-24. Review status: criteria provided, single submitter. Criteria: LMM Criteria. Collection method: clinical testing. Allele origin: germline.
Comment: Variant identified in a genome or exome case(s) and assessed due to predicted null impact of the variant or pathogenic assertions in the literature or databases. Disclaimer: This variant has not undergone full assessment. The following are preliminary notes: This variant has been reported in 2 individuals with colorectal adenomas and 1 individual with no cancer. The variant has a Max MAF of 0.03% in ExAC (18 alleles) and 0.02% in gnomAD (21 alleles). Frequency too high for disease? It is classified with 2 stars in ClinVar as VUS by Invitae, Ambry, GeneDx, CSER_CC_NCGL, and Biesecker lab. 10 non-mammals have a Val at this position.

Counsyl
Classification: Uncertain significance for Familial adenomatous polyposis 1. Last evaluated: 2016-08-05. Review status: no assertion criteria provided. Collection method: clinical testing. Allele origin: unknown. Not counted in ClinVar's aggregate classification.

CSER _CC_NCGL, University of Washington
Classification: Uncertain significance for Colorectal adenoma. Last evaluated: 2014-06-01. Review status: no assertion criteria provided. Collection method: research. Allele origin: germline. Inheritance: Autosomal dominant inheritance. Study: ESP 6500 variant annotation. Not counted in ClinVar's aggregate classification.
Comment: Variants classified for the Actionable exomic incidental findings in 6503 participants: challenges of variant classification manuscript

Biesecker Lab/Clinical Genomics Section, National Institutes of Health
Classification: Uncertain significance. Last evaluated: 2012-07-13. Review status: no assertion criteria provided. Collection method: research. Allele origin: germline. Affected: no. Observed: 1 variant allele. Study: ClinSeq. Not counted in ClinVar's aggregate classification.
ClinVar note: Converted during submission from variant of unknown significance to Uncertain significance.

Literature cited by the submitters: PubMed 18199528 (cited by 7 submitters); PubMed 28259476 (cited by Department of Pathology and Laboratory Medicine, Sinai Health System and Sema4); PubMed 31159747 (cited by Department of Pathology and Laboratory Medicine, Sinai Health System and Sema4); PubMed 21859464 (cited by Quest Diagnostics Nichols Institute San Juan Capistrano and Ambry Genetics); PubMed 27600092 (cited by Quest Diagnostics Nichols Institute San Juan Capistrano).